The following is an entry in ClinVar:

ClinVar aggregate classification (germline): Uncertain significance (1 of 4 stars; one submission).

Allele frequency attached by ClinVar (database versions not stated): gnomAD exomes 0.00001; ExAC 0.00002; TOPMed 0.00002.
gnomAD v4.1: 8 of 1,614,288 alleles (0.0005%); highest among the groups gnomAD compares: Admixed American, 0.0067%; no homozygotes.

Submission:

Labcorp Genetics (formerly Invitae), Labcorp
Classification: Uncertain significance. Last evaluated: 2025-12-15. Review status: criteria provided, single submitter. Criteria: Invitae Variant Classification Sherloc (09022015). Collection method: clinical testing. Allele origin: germline.
Comment: This sequence change replaces proline, which is neutral and non-polar, with serine, which is neutral and polar, at codon 191 of the IRF4 protein (p.Pro191Ser). This variant is present in population databases (rs774593906, gnomAD 0.006%). This variant has not been reported in the literature in individuals affected with IRF4-related conditions. ClinVar contains an entry for this variant (Variation ID: 1422584). An algorithm developed to predict the effect of missense changes on protein structure and function outputs the following: PolyPhen-2: "Benign". The serine amino acid residue is found in multiple mammalian species, which suggests that this missense change does not adversely affect protein function. In summary, the available evidence is currently insufficient to determine the role of this variant in disease. Therefore, it has been classified as a Variant of Uncertain Significance.

NM_002460.4(IRF4):c.571C>T (p.Pro191Ser)

Gene: IRF4 (interferon regulatory factor 4; plus strand). Cytogenetic location: 6p25.3.
Variant type: single nucleotide variant.
Coding change: c.571C>T on transcript NM_002460.4 (MANE Select); coding-DNA position 571, C replaced by T.
Protein change: p.Pro191Ser; replaces proline 191 with serine.
Molecular consequence: missense variant. On other transcripts: non-coding transcript variant (1).
Genome position (GRCh38, 1-based): chr6:397,186, C>T. VCF-style: chr6-397186-C-T. GRCh37 (hg19) VCF-style: chr6-397186-C-T.
Other names: c.568C>T, p.Pro190Ser (NM_001195286.2); short protein forms P191S, P190S.
Identifiers: ClinVar variation 1422584 (VCV001422584.8), dbSNP rs774593906, ClinGen allele CA3612741.
Genomic context (GRCh38, chr6:397,186, plus strand): 5'-ATGCCACCCCTCGACCGAAGCTGGAGGGACTACGTCCCGGATCAGCCACACCCGGAAATC[C>T]CGTACCAATGTCCCATGACGTTTGGACCCCGCGGCCACCACTGGCAAGGCCCAGCTTGTG-3'
Protein context (NP_002451.2, residues 181-201): YVPDQPHPEI[Pro191Ser]YQCPMTFGPR